The following is an entry in ClinVar:

NM_000094.4(COL7A1):c.8200G>A (p.Gly2734Ser)

Gene: COL7A1 (collagen type VII alpha 1 chain; minus strand). Cytogenetic location: 3p21.31.
Variant type: single nucleotide variant.
Coding change: c.8200G>A on transcript NM_000094.4 (MANE Select); coding-DNA position 8200, G replaced by A.
Protein change: p.Gly2734Ser; replaces glycine 2734 with serine.
Molecular consequence: missense variant.
Genome position (GRCh38, 1-based): chr3:48,566,933, C>T on the plus strand (G>A on the coding strand, the complement: COL7A1 is on the minus strand). VCF-style: chr3-48566933-C-T. GRCh37 (hg19) VCF-style: chr3-48604366-C-T.
Other names: short protein forms G2734S.
Identifiers: ClinVar variation 5004133 (VCV005004133.1).

ClinVar aggregate classification (germline): Likely pathogenic (1 of 4 stars; one submission).

Conditions:
Recessive dystrophic epidermolysis bullosa (RDEB). Also called: epidermolysis bullosa dystrophica, autosomal recessive; Epidermolysis Bullosa Distrophica Autosomal Recessive (RDEB); DYSTROPHIC EPIDERMOLYSIS BULLOSA, AUTOSOMAL RECESSIVE; EPIDERMOLYSIS BULLOSA DYSTROPHICA, HALLOPEAU-SIEMENS TYPE; Recessive DEB (RDEB); Hallopeau-Siemens Disease. Identifiers: Orphanet 79408, Orphanet 79409, MedGen C0079474, MONDO:0009179, OMIM 226600.

Submission:

Myriad Genetics, Inc.
Classification: Likely pathogenic for Recessive dystrophic epidermolysis bullosa. Last evaluated: 2025-08-22. Review status: criteria provided, single submitter. Criteria: Myriad Autosomal Dominant, Autosomal Recessive and X-Linked Classification Criteria (2023). Collection method: clinical testing. Allele origin: unknown.
Comment: NM_000094.3(COL7A1):c.8200G>A(G2734S) is a missense variant classified as likely pathogenic in the context of dystrophic epidermolysis bullosa. G2734S has been observed in a case with relevant disease (PMID: 34435747). Relevant functional assessments of this variant are not available in the literature. Internal structural analysis of the variant is supportive of pathogenicity. G2734S has not been observed in referenced population frequency databases. In summary, NM_000094.3(COL7A1):c.8200G>A(G2734S) is a missense variant that has internal structural support for pathogenicity and has been observed more frequently in cases with the relevant disease than in healthy populations. Please note: this variant was assessed in the context of healthy population screening.

Literature cited by the submitters: PubMed 34435747.